The following is an entry in ClinVar:

NM_005120.3(MED12):c.6318_6347del (p.Gln2106_Gln2115del)

Gene: MED12 (mediator complex subunit 12; plus strand). Cytogenetic location: Xq13.1.
Variant type: Deletion.
Coding change: c.6318_6347del on transcript NM_005120.3 (MANE Select); coding-DNA positions 6318 to 6347, 30 bases deleted (GCAGCAGCAGCAACAGCAACAACAGCAACA).
Protein change: p.Gln2106_Gln2115del.
Molecular consequence: inframe deletion.
Genome position (GRCh38, 1-based): chrX:71,141,280-71,141,309, GCAGCAGCAGCAACAGCAACAACAGCAACA deleted; deleting any 30 consecutive bases within chrX:71,141,269-71,141,309 gives the same sequence; the c. name uses the placement nearest the transcript's 3' end. VCF-style (leftmost placement, unchanged base first): chrX-71141268-GCAACAGCAACAGCAGCAGCAGCAACAGCAA-G. GRCh37 (hg19) VCF-style: chrX-70361118-GCAACAGCAACAGCAGCAGCAGCAACAGCAA-G.
Identifiers: ClinVar variation 2846428 (VCV002846428.3), dbSNP rs2519722867, ClinGen allele CA2739273572.

ClinVar aggregate classification (germline): Uncertain significance (1 of 4 stars; one submission).

Conditions:
FG syndrome (FGS). Identifiers: MedGen C0220769, MONDO:0002010.

Submission:

Labcorp Genetics (formerly Invitae), Labcorp
Classification: Uncertain significance for FG syndrome. Last evaluated: 2023-07-16. Review status: criteria provided, single submitter. Criteria: Invitae Variant Classification Sherloc (09022015). Collection method: clinical testing. Allele origin: germline.
Comment: This variant, c.6318_6347del, results in the deletion of 10 amino acid(s) of the MED12 protein (p.Gln2106_Gln2115del), but otherwise preserves the integrity of the reading frame. In summary, the available evidence is currently insufficient to determine the role of this variant in disease. Therefore, it has been classified as a Variant of Uncertain Significance. Algorithms developed to predict the effect of sequence changes on RNA splicing suggest that this variant may create or strengthen a splice site. Experimental studies and prediction algorithms are not available or were not evaluated, and the functional significance of this variant is currently unknown. This variant has not been reported in the literature in individuals affected with MED12-related conditions. This variant is not present in population databases (gnomAD no frequency).